The following is an entry in ClinVar:

ClinVar aggregate classification (germline): Uncertain significance. Review status: criteria provided, single submitter (1 of 4 stars). 2 submissions from 2 submitters: Uncertain significance (1). 1 of the submissions does not count toward it. Last evaluated 2019-08-19.

Conditions:
Cohen syndrome (COH1). Also called: Cutis verticis gyrata, retinitis pigmentosa, and sensorineural deafness; PEPPER SYNDROME. Identifiers: Orphanet 193, MedGen C0265223, MONDO:0008999, OMIM 216550.

Allele frequency attached by ClinVar (database versions not stated): gnomAD 0.00001; gnomAD exomes 0.00001; TOPMed 0.00001.
gnomAD v4.1: 9 of 1,613,670 alleles (0.00056%); highest among the groups gnomAD compares: Non-Finnish European, 0.00068%; no homozygotes.

Submissions (2):

Labcorp Genetics (formerly Invitae), Labcorp
Classification: Uncertain significance for Cohen syndrome. Last evaluated: 2019-08-19. Review status: criteria provided, single submitter. Criteria: Invitae Variant Classification Sherloc (09022015). Collection method: clinical testing. Allele origin: germline.
Comment: This sequence change replaces alanine with valine at codon 3936 of the VPS13B protein (p.Ala3936Val). The alanine residue is moderately conserved and there is a small physicochemical difference between alanine and valine. This variant is not present in population databases (ExAC no frequency). This variant has not been reported in the literature in individuals with VPS13B-related disease. Algorithms developed to predict the effect of missense changes on protein structure and function are either unavailable or do not agree on the potential impact of this missense change (SIFT: "Tolerated"; PolyPhen-2: "Possibly Damaging"; Align-GVGD: "Class C0"). Algorithms developed to predict the effect of sequence changes on RNA splicing suggest that this variant may create or strengthen a splice site, but this prediction has not been confirmed by published transcriptional studies. In summary, the available evidence is currently insufficient to determine the role of this variant in disease. Therefore, it has been classified as a Variant of Uncertain Significance.

Natera, Inc.
Classification: Uncertain significance for Cohen syndrome. Last evaluated: 2021-06-14. Review status: no assertion criteria provided. Collection method: clinical testing. Allele origin: germline. Not counted in ClinVar's aggregate classification.

NM_152564.5(VPS13B):c.11732C>T (p.Ala3911Val)

Gene: VPS13B (vacuolar protein sorting 13 homolog B; plus strand). Cytogenetic location: 8q22.2.
Variant type: single nucleotide variant.
Coding change: c.11732C>T on transcript NM_152564.5 (MANE Select); coding-DNA position 11732, C replaced by T.
Protein change: p.Ala3911Val; replaces alanine 3911 with valine.
Molecular consequence: missense variant.
Genome position (GRCh38, 1-based): chr8:99,871,684, C>T. VCF-style: chr8-99871684-C-T. GRCh37 (hg19) VCF-style: chr8-100883912-C-T.
Other names: c.11807C>T, p.Ala3936Val (NM_017890.5); short protein forms A3911V, A3936V.
Identifiers: ClinVar variation 576074 (VCV000576074.5), dbSNP rs978197543, ClinGen allele CA182331809.